The following is an entry in ClinVar:

ClinVar aggregate classification (germline): Uncertain significance (1 of 4 stars; one submission).

Submission:

GeneDx
Classification: Uncertain significance. Last evaluated: 2022-02-14. Review status: criteria provided, single submitter. Criteria: GeneDx Variant Classification Process June 2021. Collection method: clinical testing. Allele origin: germline. Affected: yes.
Comment: Not observed at significant frequency in large population cohorts (gnomAD); In silico analysis supports that this missense variant does not alter protein structure/function; Has not been previously published as pathogenic or benign to our knowledge

NM_014415.4(ZBTB11):c.2618A>G (p.Tyr873Cys)

Gene: ZBTB11 (zinc finger and BTB domain containing 11; minus strand). Cytogenetic location: 3q12.3.
Variant type: single nucleotide variant.
Coding change: c.2618A>G on transcript NM_014415.4 (MANE Select); coding-DNA position 2618, A replaced by G.
Protein change: p.Tyr873Cys; replaces tyrosine 873 with cysteine.
Molecular consequence: missense variant.
Genome position (GRCh38, 1-based): chr3:101,652,522, T>C on the plus strand (A>G on the coding strand, the complement: ZBTB11 is on the minus strand). VCF-style: chr3-101652522-T-C. GRCh37 (hg19) VCF-style: chr3-101371366-T-C.
Other names: short protein forms Y873C.
Identifiers: ClinVar variation 1703928 (VCV001703928.2), dbSNP rs2545758420, ClinGen allele CA353871896.